The following is an entry in ClinVar:

NM_001195263.2(PDZD7):c.500G>A (p.Gly167Asp)

Gene: PDZD7 (PDZ domain containing 7; minus strand). Cytogenetic location: 10q24.31.
Variant type: single nucleotide variant.
Coding change: c.500G>A on transcript NM_001195263.2 (MANE Select); coding-DNA position 500, G replaced by A.
Protein change: p.Gly167Asp; replaces glycine 167 with aspartic acid.
Molecular consequence: missense variant.
Genome position (GRCh38, 1-based): chr10:101,023,478, C>T on the plus strand (G>A on the coding strand, the complement: PDZD7 is on the minus strand). VCF-style: chr10-101023478-C-T. GRCh37 (hg19) VCF-style: chr10-102783235-C-T.
Other names: c.500G>A, p.Gly167Asp (NM_001351044.2, NM_024895.5); short protein forms G167D.
Identifiers: ClinVar variation 1385844 (VCV001385844.7), dbSNP rs1235822317, ClinGen allele CA378230554.

ClinVar aggregate classification (germline): Uncertain significance. Review status: criteria provided, multiple submitters, no conflicts (2 of 4 stars). 2 submissions from 2 submitters: Uncertain significance (2). Last evaluated 2023-08-04.

Allele frequency attached by ClinVar (database versions not stated): gnomAD exomes below 0.00001; gnomAD 0.00001; TOPMed 0.00002.
gnomAD v4.1: 7 of 1,613,982 alleles (0.00043%); highest among the groups gnomAD compares: Non-Finnish European, 0.00034%; no homozygotes.

Submissions (2):

Labcorp Genetics (formerly Invitae), Labcorp
Classification: Uncertain significance. Last evaluated: 2023-08-04. Review status: criteria provided, single submitter. Criteria: Invitae Variant Classification Sherloc (09022015). Collection method: clinical testing. Allele origin: germline.
Comment: In summary, the available evidence is currently insufficient to determine the role of this variant in disease. Therefore, it has been classified as a Variant of Uncertain Significance. Advanced modeling of protein sequence and biophysical properties (such as structural, functional, and spatial information, amino acid conservation, physicochemical variation, residue mobility, and thermodynamic stability) has been performed at Invitae for this missense variant, however the output from this modeling did not meet the statistical confidence thresholds required to predict the impact of this variant on PDZD7 protein function. ClinVar contains an entry for this variant (Variation ID: 1385844). This variant has not been reported in the literature in individuals affected with PDZD7-related conditions. This variant is present in population databases (no rsID available, gnomAD 0.0009%). This sequence change replaces glycine, which is neutral and non-polar, with aspartic acid, which is acidic and polar, at codon 167 of the PDZD7 protein (p.Gly167Asp).

Blueprint Genetics
Classification: Uncertain significance. Last evaluated: 2019-11-05. Review status: criteria provided, single submitter. Criteria: ACMG Guidelines, 2015. Collection method: clinical testing. Allele origin: germline.